The following is an entry in ClinVar:

ClinVar aggregate classification (germline): Uncertain significance (1 of 4 stars; one submission).

Conditions:
Glycogen storage disease, type II (IOPD). Also called: Pompe Disease; CARDIOMEGALIA GLYCOGENICA DIFFUSA; Glycogen storage disease type 2; Acid maltase deficiency disease; Aglucosidase alfa; Deficiency of alpha-glucosidase. Identifiers: Orphanet 365, MedGen C0017921, MONDO:0009290, OMIM 232300.

Submission:

Labcorp Genetics (formerly Invitae), Labcorp
Classification: Uncertain significance for Glycogen storage disease, type II. Last evaluated: 2018-06-04. Review status: criteria provided, single submitter. Criteria: Invitae Variant Classification Sherloc (09022015). Collection method: clinical testing. Allele origin: germline.
Comment: This variant is not present in population databases (ExAC no frequency). In summary, the available evidence is currently insufficient to determine the role of this variant in disease. Therefore, it has been classified as a Variant of Uncertain Significance. Algorithms developed to predict the effect of missense changes on protein structure and function (SIFT, PolyPhen-2, Align-GVGD) all suggest that this variant is likely to be tolerated, but these predictions have not been confirmed by published functional studies and their clinical significance is uncertain. This variant has not been reported in the literature in individuals with GAA-related disease. This sequence change replaces serine with proline at codon 410 of the GAA protein (p.Ser410Pro). The serine residue is weakly conserved and there is a moderate physicochemical difference between serine and proline.

NM_000152.5(GAA):c.1228T>C (p.Ser410Pro)

Gene: GAA (alpha glucosidase; plus strand). Cytogenetic location: 17q25.3.
Variant type: single nucleotide variant.
Coding change: c.1228T>C on transcript NM_000152.5 (MANE Select); coding-DNA position 1228, T replaced by C.
Protein change: p.Ser410Pro; replaces serine 410 with proline.
Molecular consequence: missense variant.
Genome position (GRCh38, 1-based): chr17:80,108,730, T>C. VCF-style: chr17-80108730-T-C. GRCh37 (hg19) VCF-style: chr17-78082529-T-C.
Other names: c.1228T>C, p.Ser410Pro (NM_001079803.3, NM_001079804.3); short protein forms S410P.
Identifiers: ClinVar variation 1009710 (VCV001009710.9), dbSNP rs2039157992, ClinGen allele CA401365230.